The following is an entry in ClinVar:

ClinVar aggregate classification (germline): Likely pathogenic (1 of 4 stars; one submission).

Conditions:
Aromatase deficiency. Also called: PSEUDOHERMAPHRODITISM, FEMALE, DUE TO PLACENTAL AROMATASE DEFICIENCY; Increased aromatase activity. Identifiers: Orphanet 91, MedGen C1960539, MONDO:0013301, OMIM 613546.

Submission:

Natera, Inc.
Classification: Likely pathogenic for Aromatase deficiency. Last evaluated: 2024-11-18. Review status: criteria provided, single submitter. Criteria: Natera Variant Classification Schema (03/2026). Collection method: clinical testing. Allele origin: germline.
Comment: The c.1278C>G variant in CYP19A1 is a nonsense variant predicted to introduce a stop codon at amino acid 426. This variant is expected to result in nonsense mediated decay, truncation, or a dysfunctional protein product. This variant is rare in the general population with a frequency below the threshold expected for the associated phenotype(s). Given the available evidence, this variant is classified as Likely Pathogenic.

NM_000103.4(CYP19A1):c.1278C>G (p.Tyr426Ter)

Genes: PIRC66 (piwi-interacting RNA cluster 66; plus strand), CYP19A1 (cytochrome P450 family 19 subfamily A member 1; minus strand), MIR4713HG (MIR4713 host gene; plus strand). Cytogenetic location: 15q21.2.
Variant type: single nucleotide variant.
Coding change: c.1278C>G on transcript NM_000103.4 (MANE Select); coding-DNA position 1278, C replaced by G.
Protein change: p.Tyr426Ter; replaces tyrosine 426 with a stop codon.
Molecular consequence: nonsense.
Genome position (GRCh38, 1-based): chr15:51,211,042, G>C on the plus strand (C>G on the coding strand, the complement: CYP19A1 is on the minus strand). VCF-style: chr15-51211042-G-C. GRCh37 (hg19) VCF-style: chr15-51503239-G-C.
Other names: c.1278C>G, p.Tyr426Ter (NM_001347248.1, NM_001347249.2, NM_001347250.2 and 7 more transcripts); short protein forms Y426*.
Identifiers: ClinVar variation 4816269 (VCV004816269.1).